The following is an entry in ClinVar:

NM_001165967.2(HES7):c.614C>T (p.Pro205Leu)

Genes: HES7 (hes family bHLH transcription factor 7; minus strand), LOC130060203 (ATAC-STARR-seq lymphoblastoid silent region 8155; plus strand). Cytogenetic location: 17p13.1.
Variant type: single nucleotide variant.
Coding change: c.614C>T on transcript NM_001165967.2 (MANE Select); coding-DNA position 614, C replaced by T.
Protein change: p.Pro205Leu; replaces proline 205 with leucine.
Molecular consequence: missense variant.
Genome position (GRCh38, 1-based): chr17:8,121,650, G>A on the plus strand (C>T on the coding strand, the complement: HES7 is on the minus strand). VCF-style: chr17-8121650-G-A. GRCh37 (hg19) VCF-style: chr17-8024968-G-A.
Other names: c.599C>T, p.Pro200Leu (NM_032580.4); short protein forms P200L, P205L.
Identifiers: ClinVar variation 1445685 (VCV001445685.8), dbSNP rs1354205305, ClinGen allele CA397987215.

ClinVar aggregate classification (germline): Uncertain significance (1 of 4 stars; one submission).

Allele frequency attached by ClinVar (database versions not stated): gnomAD exomes below 0.00001; gnomAD 0.00004; TOPMed 0.00005.
gnomAD v4.1: 7 of 1,321,700 alleles (0.00053%); highest among the groups gnomAD compares: African/African-American, 0.011%; no homozygotes.

Submission:

Labcorp Genetics (formerly Invitae), Labcorp
Classification: Uncertain significance. Last evaluated: 2022-08-22. Review status: criteria provided, single submitter. Criteria: Invitae Variant Classification Sherloc (09022015). Collection method: clinical testing. Allele origin: germline.
Comment: In summary, the available evidence is currently insufficient to determine the role of this variant in disease. Therefore, it has been classified as a Variant of Uncertain Significance. Algorithms developed to predict the effect of missense changes on protein structure and function are either unavailable or do not agree on the potential impact of this missense change (SIFT: "Tolerated"; PolyPhen-2: "Probably Damaging"; Align-GVGD: "Class C0"). ClinVar contains an entry for this variant (Variation ID: 1445685). This variant has not been reported in the literature in individuals affected with HES7-related conditions. This variant is present in population databases (no rsID available, gnomAD 0.01%). This sequence change replaces proline, which is neutral and non-polar, with leucine, which is neutral and non-polar, at codon 200 of the HES7 protein (p.Pro200Leu).